The following is an entry in ClinVar:

ClinVar aggregate classification (germline): Likely pathogenic (1 of 4 stars; one submission).

Conditions:
Intellectual developmental disorder, X-linked 99, syndromic, female-restricted. Also called: Intellectual disability, X-linked 99, syndromic, female-restricted. Identifiers: MedGen C4225416, MONDO:0010502, OMIM 300968.

Submission:

3billion
Classification: Likely pathogenic for Intellectual developmental disorder, X-linked 99, syndromic, female-restricted. Last evaluated: 2024-03-07. Review status: criteria provided, single submitter. Criteria: ACMG Guidelines, 2015. Collection method: clinical testing. Allele origin: germline. Affected: yes.
Comment: The variant is not observed in the gnomAD v2.1.1 dataset. Predicted Consequence/Location: Stop-gained (nonsense): predicted to result in a loss or disruption of normal protein function through nonsense-mediated decay (NMD) or protein truncation. Multiple pathogenic variants are reported downstream of the variant. Therefore, this variant is classified as Likely pathogenic according to the recommendation of ACMG/AMP guideline.

NM_001039591.3(USP9X):c.5021G>A (p.Trp1674Ter)

Gene: USP9X (ubiquitin specific peptidase 9 X-linked; plus strand). Cytogenetic location: Xp11.4.
Variant type: single nucleotide variant.
Coding change: c.5021G>A on transcript NM_001039591.3 (MANE Select); coding-DNA position 5021, G replaced by A.
Protein change: p.Trp1674Ter; replaces tryptophan 1674 with a stop codon.
Molecular consequence: nonsense.
Genome position (GRCh38, 1-based): chrX:41,210,514, G>A. VCF-style: chrX-41210514-G-A. GRCh37 (hg19) VCF-style: chrX-41069767-G-A.
Other names: c.5021G>A, p.Trp1674Ter (NM_001039590.3); c.5036G>A, p.Trp1679Ter (NM_001410748.1, NM_001410749.1); short protein forms W1674*, W1679*.
Identifiers: ClinVar variation 3776302 (VCV003776302.1).